The following is an entry in ClinVar:

NM_001365276.2(TNXB):c.3286T>G (p.Tyr1096Asp)

Gene: TNXB (tenascin XB; minus strand). Cytogenetic location: 6p21.33.
Variant type: single nucleotide variant.
Coding change: c.3286T>G on transcript NM_001365276.2 (MANE Select); coding-DNA position 3286, T replaced by G.
Protein change: p.Tyr1096Asp; replaces tyrosine 1096 with aspartic acid.
Molecular consequence: missense variant.
Genome position (GRCh38, 1-based): chr6:32,084,572, A>C on the plus strand (T>G on the coding strand, the complement: TNXB is on the minus strand). VCF-style: chr6-32084572-A-C. GRCh37 (hg19) VCF-style: chr6-32052349-A-C.
Other names: c.3286T>G, p.Tyr1096Asp (NM_019105.8); short protein forms Y1096D.
Identifiers: ClinVar variation 2634614 (VCV002634614.1), dbSNP rs2483693286, ClinGen allele CA363442801.

ClinVar aggregate classification (germline): Uncertain significance (1 of 4 stars; one submission).

Conditions:
TNXB-related disorder. Also called: TNXB-related condition.

gnomAD v4.1: 5 of 1,608,726 alleles (0.00031%); highest among the groups gnomAD compares: South Asian, 0.0055%; no homozygotes.

Submission:

PreventionGenetics, part of Exact Sciences
Classification: Uncertain significance for TNXB-related condition. Last evaluated: 2023-08-21. Review status: criteria provided, single submitter. Criteria: ACMG Guidelines, 2015. Collection method: clinical testing. Allele origin: germline.
Comment: The TNXB c.3286T>G variant is predicted to result in the amino acid substitution p.Tyr1096Asp. To our knowledge, this variant has not been reported in the literature or in a large population database, indicating this variant is rare. At this time, the clinical significance of this variant is uncertain due to the absence of conclusive functional and genetic evidence.